The following is an entry in ClinVar:

NM_001134407.3(GRIN2A):c.55C>T (p.Arg19Cys)

Gene: GRIN2A (glutamate ionotropic receptor NMDA type subunit 2A; minus strand). Cytogenetic location: 16p13.2.
Variant type: single nucleotide variant.
Coding change: c.55C>T on transcript NM_001134407.3 (MANE Select); coding-DNA position 55, C replaced by T.
Protein change: p.Arg19Cys; replaces arginine 19 with cysteine.
Molecular consequence: missense variant.
Genome position (GRCh38, 1-based): chr16:10,180,357, G>A on the plus strand (C>T on the coding strand, the complement: GRIN2A is on the minus strand). VCF-style: chr16-10180357-G-A. GRCh37 (hg19) VCF-style: chr16-10274214-G-A.
Other names: c.55C>T, p.Arg19Cys (NM_000833.5, NM_001134408.2); short protein forms R19C.
Identifiers: ClinVar variation 1046516 (VCV001046516.9), dbSNP rs768469157, ClinGen allele CA7897059.

ClinVar aggregate classification (germline): Uncertain significance (1 of 4 stars; one submission).

Conditions:
Landau-Kleffner syndrome (FESD). Also called: APHASIA, ACQUIRED, WITH EPILEPSY; EPILEPSY, FOCAL, WITH SPEECH DISORDER AND WITH OR WITHOUT MENTAL RETARDATION. Identifiers: Orphanet 1945, Orphanet 725, Orphanet 98818, MedGen C0282512, MONDO:0009509, OMIM 245570.

Allele frequency attached by ClinVar (database versions not stated): gnomAD exomes 0.00001 and below 0.00001; ExAC 0.00001.
gnomAD v4.1: 15 of 1,608,288 alleles (0.00093%); highest among the groups gnomAD compares: Non-Finnish European, 0.0013%; no homozygotes.

Submission:

Labcorp Genetics (formerly Invitae), Labcorp
Classification: Uncertain significance for Landau-Kleffner syndrome. Last evaluated: 2025-05-18. Review status: criteria provided, single submitter. Criteria: Invitae Variant Classification Sherloc (09022015). Collection method: clinical testing. Allele origin: germline.
Comment: This sequence change replaces arginine, which is basic and polar, with cysteine, which is neutral and slightly polar, at codon 19 of the GRIN2A protein (p.Arg19Cys). The frequency data for this variant in the population databases is considered unreliable, as metrics indicate poor data quality at this position in the gnomAD database. This variant has not been reported in the literature in individuals affected with GRIN2A-related conditions. ClinVar contains an entry for this variant (Variation ID: 1046516). Invitae Evidence Modeling of protein sequence and biophysical properties (such as structural, functional, and spatial information, amino acid conservation, physicochemical variation, residue mobility, and thermodynamic stability) indicates that this missense variant is not expected to disrupt GRIN2A protein function with a negative predictive value of 95%. In summary, the available evidence is currently insufficient to determine the role of this variant in disease. Therefore, it has been classified as a Variant of Uncertain Significance.